The following is an entry in ClinVar:

ClinVar aggregate classification (germline): Uncertain significance (1 of 4 stars; one submission).

Conditions:
Dyskeratosis congenita. Identifiers: Orphanet 1775, MedGen C0265965, MONDO:0015780.

Submission:

Labcorp Genetics (formerly Invitae), Labcorp
Classification: Uncertain significance for Dyskeratosis congenita. Last evaluated: 2021-02-23. Review status: criteria provided, single submitter. Criteria: Invitae Variant Classification Sherloc (09022015). Collection method: clinical testing. Allele origin: germline.
Comment: This sequence change replaces proline with threonine at codon 463 of the DKC1 protein (p.Pro463Thr). The proline residue is weakly conserved and there is a small physicochemical difference between proline and threonine. This variant is not present in population databases (ExAC no frequency). This variant has not been reported in the literature in individuals with DKC1-related conditions. Algorithms developed to predict the effect of missense changes on protein structure and function output the following: SIFT: "Tolerated"; PolyPhen-2: "Benign"; Align-GVGD: "Class C0". The threonine amino acid residue is found in multiple mammalian species, suggesting that this missense change does not adversely affect protein function. These predictions have not been confirmed by published functional studies and their clinical significance is uncertain. In summary, the available evidence is currently insufficient to determine the role of this variant in disease. Therefore, it has been classified as a Variant of Uncertain Significance.

NM_001363.5(DKC1):c.1387C>A (p.Pro463Thr)

Gene: DKC1 (dyskerin pseudouridine synthase 1; plus strand). Cytogenetic location: Xq28.
Variant type: single nucleotide variant.
Coding change: c.1387C>A on transcript NM_001363.5 (MANE Select); coding-DNA position 1387, C replaced by A.
Protein change: p.Pro463Thr; replaces proline 463 with threonine.
Molecular consequence: missense variant. On other transcripts: 3 prime UTR variant (1), non-coding transcript variant (3).
Genome position (GRCh38, 1-based): chrX:154,776,235, C>A. VCF-style: chrX-154776235-C-A. GRCh37 (hg19) VCF-style: chrX-154004510-C-A.
Other names: c.1372C>A, p.Pro458Thr (NM_001142463.3); c.*613C>A (NM_001288747.2); short protein forms P463T, P458T.
Identifiers: ClinVar variation 1391861 (VCV001391861.8), dbSNP rs782434084, ClinGen allele CA414899628.
Genomic context (GRCh38, chrX:154,776,235, plus strand): 5'-CTTTCATCTCAGCGGAAGCGAGAGAGTGAGAGTGAAAGTGACGAGACTCCTCCAGCAGCT[C>A]CTCAGTTGATCAAGAAGGAAAAGAAGAAGAGTAAGAAGGACAAGAAGGCCAAAGCTGGTC-3'
Protein context (NP_001354.1, residues 453-473): SESDETPPAA[Pro463Thr]QLIKKEKKKS